The following is an entry in ClinVar:

ClinVar aggregate classification (germline): Likely pathogenic (1 of 4 stars; one submission).

Submission:

Institute of Human Genetics, FAU Erlangen, Friedrich-Alexander-Universität Erlangen-Nürnberg
Classification: Likely pathogenic. Last evaluated: 2023-10-19. Review status: criteria provided, single submitter. Criteria: Hauer et al. (Genet Med. 2018). Collection method: clinical testing. Allele origin: germline. Inheritance: Unknown mechanism. Affected: yes. Observed: 1 variant allele.
Comment: This variant has been identified by standard clinical testing.

NM_024675.4(PALB2):c.3183_3184del (p.His1061fs)

Gene: PALB2 (partner and localizer of BRCA2; minus strand). Cytogenetic location: 16p12.2.
Variant type: Microsatellite.
Coding change: c.3183_3184del on transcript NM_024675.4 (MANE Select); coding-DNA positions 3183 to 3184, 2 bases deleted (CA; older notation c.3183_3184delCA).
Protein change: p.His1061fs; shifts the reading frame from histidine 1061.
Molecular consequence: frameshift variant. On other transcripts: intron variant (3).
Genome position (GRCh38, 1-based): chr16:23,614,021-23,614,022, TG deleted on the plus strand (CA on the coding strand, the reverse complement: PALB2 is on the minus strand); deleting any 2 consecutive bases within chr16:23,614,021-23,614,024 gives the same sequence; the c. name uses the placement nearest the transcript's 3' end. VCF-style (leftmost placement, unchanged base first): chr16-23614020-TTG-T. GRCh37 (hg19) VCF-style: chr16-23625341-TTG-T.
Other names: c.3123_3124del, p.His1041fs (NM_001407296.1); c.3111_3112del, p.His1037fs (NM_001407297.1); c.3021_3022del, p.His1007fs (NM_001407298.1, NM_001407302.1); c.2904_2905del, p.His968fs (NM_001407300.1); c.3183_3184del, p.His1061fs (NM_001407301.1); c.2298_2299del, p.His766fs (NM_001407304.1, NM_001407305.1, NM_001407306.1 and 2 more transcripts); c.2136_2137del, p.His712fs (NM_001407307.1); c.1395_1396del, p.His465fs (NM_001407312.1, NM_001407313.1); and 3 more; short protein forms H1007fs, H1037fs, H1041fs, H1061fs, H239fs, H465fs, H712fs, H766fs.
Identifiers: ClinVar variation 2584334 (VCV002584334.1), dbSNP rs2506264814, ClinGen allele CA2582342506.